The following is an entry in ClinVar:

NM_182972.3(IRF2BP2):c.1513T>C (p.Cys505Arg)

Gene: IRF2BP2 (interferon regulatory factor 2 binding protein 2; minus strand). Cytogenetic location: 1q42.3.
Variant type: single nucleotide variant.
Coding change: c.1513T>C on transcript NM_182972.3 (MANE Select); coding-DNA position 1513, T replaced by C.
Protein change: p.Cys505Arg; replaces cysteine 505 with arginine.
Molecular consequence: missense variant.
Genome position (GRCh38, 1-based): chr1:234,607,388, A>G on the plus strand (T>C on the coding strand, the complement: IRF2BP2 is on the minus strand). VCF-style: chr1-234607388-A-G. GRCh37 (hg19) VCF-style: chr1-234743134-A-G.
Other names: c.1465T>C, p.Cys489Arg (NM_001077397.1); short protein forms C489R, C505R.
Identifiers: ClinVar variation 4807419 (VCV004807419.1).

ClinVar aggregate classification (germline): Uncertain significance (1 of 4 stars; one submission).

Submission:

Labcorp Genetics (formerly Invitae), Labcorp
Classification: Uncertain significance. Last evaluated: 2025-08-30. Review status: criteria provided, single submitter. Criteria: Invitae Variant Classification Sherloc (09022015). Collection method: clinical testing. Allele origin: germline.
Comment: This sequence change replaces cysteine, which is neutral and slightly polar, with arginine, which is basic and polar, at codon 505 of the IRF2BP2 protein (p.Cys505Arg). This variant is not present in population databases (gnomAD no frequency). This variant has not been reported in the literature in individuals affected with IRF2BP2-related conditions. An algorithm developed to predict the effect of missense changes on protein structure and function (PolyPhen-2) suggests that this variant is likely to be disruptive. In summary, the available evidence is currently insufficient to determine the role of this variant in disease. Therefore, it has been classified as a Variant of Uncertain Significance.